The following is an entry in ClinVar:

NM_017777.4(MKS1):c.124C>T (p.Gln42Ter)

Gene: MKS1 (MKS transition zone complex subunit 1; minus strand). Cytogenetic location: 17q22.
Variant type: single nucleotide variant.
Coding change: c.124C>T on transcript NM_017777.4 (MANE Select); coding-DNA position 124, C replaced by T.
Protein change: p.Gln42Ter; replaces glutamine 42 with a stop codon.
Molecular consequence: nonsense. On other transcripts: 5 prime UTR variant (1).
Genome position (GRCh38, 1-based): chr17:58,218,686, G>A on the plus strand (C>T on the coding strand, the complement: MKS1 is on the minus strand). VCF-style: chr17-58218686-G-A. GRCh37 (hg19) VCF-style: chr17-56296047-G-A.
Other names: c.-388C>T (NM_001321268.2); c.124C>T, p.Gln42Ter (NM_001321269.2, NM_001330397.2); short protein forms Q42*.
Identifiers: ClinVar variation 935356 (VCV000935356.8), dbSNP rs1969405671, ClinGen allele CA400327995.

ClinVar aggregate classification (germline): Pathogenic (1 of 4 stars; one submission).

Conditions:
Meckel-Gruber syndrome. Also called: Dysencephalia splachnocystica; DYSENCEPHALIA SPLANCHNOCYSTICA; GRUBER SYNDROME. Identifiers: Orphanet 564, MedGen C0265215, MONDO:0018921.
Joubert syndrome. Also called: Familial aplasia of the vermis; CEREBELLOPARENCHYMAL DISORDER IV; JOUBERT-BOLTSHAUSER SYNDROME. Identifiers: Orphanet 475, MedGen C5979921, MONDO:0018772.

Submission:

Labcorp Genetics (formerly Invitae), Labcorp
Classification: Pathogenic for Joubert syndrome; Meckel-Gruber syndrome. Last evaluated: 2019-09-12. Review status: criteria provided, single submitter. Criteria: Invitae Variant Classification Sherloc (09022015). Collection method: clinical testing. Allele origin: germline.
Comment: This sequence change creates a premature translational stop signal (p.Gln42*) in the MKS1 gene. It is expected to result in an absent or disrupted protein product. For these reasons, this variant has been classified as Pathogenic. Loss-of-function variants in MKS1 are known to be pathogenic (PMID: 17397051). This variant has not been reported in the literature in individuals with MKS1-related conditions. This variant is not present in population databases (ExAC no frequency).

Literature cited by the submitters: PubMed 17397051.